The following is an entry in ClinVar:

ClinVar aggregate classification (germline): Uncertain significance (1 of 4 stars; one submission).

Conditions:
Hypertrophic cardiomyopathy 1 (CMH1). Also called: MYH7-Related Familial Hypertrophic Cardiomyopathy; Familial hypertrophic cardiomyopathy 1. Identifiers: MedGen C3495498, MONDO:0008647, OMIM 192600.

Submission:

Labcorp Genetics (formerly Invitae), Labcorp
Classification: Uncertain significance for Hypertrophic cardiomyopathy 1. Last evaluated: 2025-01-28. Review status: criteria provided, single submitter. Criteria: Invitae Variant Classification Sherloc (09022015). Collection method: clinical testing. Allele origin: germline.
Comment: This sequence change replaces threonine, which is neutral and polar, with arginine, which is basic and polar, at codon 186 of the MYLK2 protein (p.Thr186Arg). This variant is not present in population databases (gnomAD no frequency). This variant has not been reported in the literature in individuals affected with MYLK2-related conditions. Invitae Evidence Modeling of protein sequence and biophysical properties (such as structural, functional, and spatial information, amino acid conservation, physicochemical variation, residue mobility, and thermodynamic stability) indicates that this missense variant is not expected to disrupt MYLK2 protein function with a negative predictive value of 80%. In summary, the available evidence is currently insufficient to determine the role of this variant in disease. Therefore, it has been classified as a Variant of Uncertain Significance.

NM_033118.4(MYLK2):c.557C>G (p.Thr186Arg)

Gene: MYLK2 (myosin light chain kinase 2; plus strand). Cytogenetic location: 20q11.21.
Variant type: single nucleotide variant.
Coding change: c.557C>G on transcript NM_033118.4 (MANE Select); coding-DNA position 557, C replaced by G.
Protein change: p.Thr186Arg; replaces threonine 186 with arginine.
Molecular consequence: missense variant.
Genome position (GRCh38, 1-based): chr20:31,821,522, C>G. VCF-style: chr20-31821522-C-G. GRCh37 (hg19) VCF-style: chr20-30409325-C-G.
Other names: short protein forms T186R.
Identifiers: ClinVar variation 3608524 (VCV003608524.2).